The following is an entry in ClinVar:

NM_001018115.3(FANCD2):c.1777C>T (p.Pro593Ser)

Genes: FANCD2 (FA complementation group D2; plus strand), LOC107303338 (3p25 FANCD2 Alu-mediated recombination region; plus strand). Cytogenetic location: 3p25.3.
Variant type: single nucleotide variant.
Coding change: c.1777C>T on transcript NM_001018115.3 (MANE Select); coding-DNA position 1777, C replaced by T.
Protein change: p.Pro593Ser; replaces proline 593 with serine.
Molecular consequence: missense variant.
Genome position (GRCh38, 1-based): chr3:10,062,161, C>T. VCF-style: chr3-10062161-C-T. GRCh37 (hg19) VCF-style: chr3-10103845-C-T.
Other names: c.1777C>T, p.Pro593Ser (NM_001319984.2, NM_001374254.1, NM_033084.6); c.1666C>T, p.Pro556Ser (NM_001374253.1); short protein forms P593S, P556S.
Identifiers: ClinVar variation 134313 (VCV000134313.57), dbSNP rs147523071, ClinGen allele CA159438.

ClinVar aggregate classification (germline): Conflicting classifications of pathogenicity. Review status: criteria provided, conflicting classifications (1 of 4 stars). 16 submissions from 16 submitters: Uncertain significance (9); Likely benign (3). 4 of the submissions do not count toward it. Last evaluated 2026-07-01.

Conditions:
FANCD2-related disorder. Also called: FANCD2-related condition.
Hereditary cancer-predisposing syndrome. Also called: Neoplastic Syndromes, Hereditary; Tumor predisposition; Hereditary neoplastic syndrome; Hereditary Cancer Syndrome. Identifiers: Orphanet 140162, MedGen C0027672, MeSH D009386, MONDO:0015356.
Fanconi anemia (FA). Also called: Fanconi's anemia. Identifiers: Orphanet 84, MedGen C0015625, MeSH D005199, MONDO:0019391.
Fanconi anemia complementation group D2. Also called: FANCONI PANCYTOPENIA, TYPE 4; FANCONI ANEMIA, COMPLEMENTATION GROUP D; FANCD2-Related Fanconi Anemia. Identifiers: Orphanet 84, MedGen C3160738, MONDO:0009214, OMIM 227646.
Malignant tumor of breast. Also called: Malignant breast neoplasm; Cancer breast. Identifiers: MedGen C0006142, MONDO:0007254. Disease mechanism: loss of function.

Allele frequency attached by ClinVar (database versions not stated): TOPMed 0.00080; gnomAD exomes 0.00088 and 0.00111; ExAC 0.00098; 1000 Genomes Project 0.00120; 1000 Genomes Project 30x 0.00125; ESP Exome Variant Server 0.00069; gnomAD 0.00071 and 0.00072.
gnomAD v4.1: 1,738 of 1,611,616 alleles (0.11%); highest among the groups gnomAD compares: Middle Eastern, 0.33%; 2 homozygotes.

Submissions (16):

CeGaT Center for Human Genetics Tuebingen
Classification: Likely benign. Last evaluated: 2026-07-01. Review status: criteria provided, single submitter. Criteria: CeGaT Center For Human Genetics Tuebingen Variant Classification Criteria Version 2. Collection method: clinical testing. Allele origin: germline. Affected: yes. Observed: 8 variant alleles.
Comment: FANCD2: BP4, BP5

Molecular Diagnostics Laboratory, Catalan Institute of Oncology
Classification: Uncertain significance for Hereditary cancer-predisposing syndrome. Last evaluated: 2025-03-25. Review status: criteria provided, single submitter. Criteria: ACMG Guidelines, 2015. Collection method: clinical testing. Allele origin: germline.
Comment: BP4_Moderate c.1777C>T located in exon 20 of the FANCD2 gene, is predicted to result in the substitution of proline by serine at codon 593, p.(Pro593Ser).The variant allele was found in 168/118054 alleles, with a filter allele frequency of 0.12% at 99% confidence, within the European (non-Finnish) population in the gnomAD v2.1.1 database (non-cancer data set). The SpliceAI algorithm predicts no significant impact on splicing and the REVEL meta-predictor score for this variant (0.044) suggests that it does not affect the protein function according to Pejaver 2022 thresholds (PMID: 36413997)(BP4_Moderate). This variant has been identified in the ClinVar database (4x likely benign, 9x uncertain significance) but has not been identified in the LOVD database. Based on currently available information, the variant c.1777C>T is classified as an uncertain significance variant according ACMG guidelines.

Labcorp Genetics (formerly Invitae), Labcorp
Classification: Uncertain significance for Fanconi anemia. Last evaluated: 2025-01-21. Review status: criteria provided, single submitter. Criteria: Invitae Variant Classification Sherloc (09022015). Collection method: clinical testing. Allele origin: germline.
Comment: This sequence change replaces proline, which is neutral and non-polar, with serine, which is neutral and polar, at codon 593 of the FANCD2 protein (p.Pro593Ser). This variant is present in population databases (rs147523071, gnomAD 0.1%), and has an allele count higher than expected for a pathogenic variant. This missense change has been observed in individual(s) with breast cancer (PMID: 33558524). ClinVar contains an entry for this variant (Variation ID: 134313). An algorithm developed to predict the effect of missense changes on protein structure and function outputs the following: PolyPhen-2: "Benign". The serine amino acid residue is found in multiple mammalian species, which suggests that this missense change does not adversely affect protein function. In summary, the available evidence is currently insufficient to determine the role of this variant in disease. Therefore, it has been classified as a Variant of Uncertain Significance.

Blueprint Genetics
Classification: Likely benign. Last evaluated: 2024-11-26. Review status: criteria provided, single submitter. Criteria: ACMG Guidelines, 2015. Collection method: clinical testing. Allele origin: germline.

PreventionGenetics, part of Exact Sciences
Classification: Uncertain significance for FANCD2-related condition. Last evaluated: 2022-12-27. Review status: criteria provided, single submitter. Criteria: ACMG Guidelines, 2015. Collection method: clinical testing. Allele origin: germline.
Comment: The FANCD2 c.1777C>T variant is predicted to result in the amino acid substitution p.Pro593Ser. This variant has been reported in an individual with unilateral breast cancer (Moradian et al. 2021. PubMed ID: 33558524) and in an individual with head and neck squamous cell carcinoma (Table S3 - Chandrasekharappa et al. 2017. PubMed ID: 28678401). This variant is reported in 0.14% of alleles in individuals of European (Non-Finnish) descent in gnomAD, which is higher than expected for a pathogenic variant and in ClinVar this variant has conflicting interpretations of pathogenicity of uncertain and likely benign. Although we suspect that this variant may be benign, at this time, the clinical significance of this variant is uncertain due to the absence of conclusive functional and genetic evidence.

Center for Genomics, Ann and Robert H. Lurie Children's Hospital of Chicago
Classification: Uncertain significance for Fanconi anemia complementation group D2. Last evaluated: 2022-09-29. Review status: criteria provided, single submitter. Criteria: ACMG Guidelines, 2015. Collection method: clinical testing. Allele origin: germline.
Comment: This variant has not been reported in the literature in association with Fanconi anemia but is present in the Genome Aggregation Database (Highest reported MAF: 0.1% (184/129068)). This variant is also present in ClinVar (Variation ID:134313). Evolutionary conservation and computational predictive tools suggest that this variant may not impact the protein. In summary, data on this variant is insufficient for disease classification. Therefore, the clinical significance of this variant is uncertain.

Sema4
Classification: Likely benign for Fanconi anemia. Last evaluated: 2021-04-21. Review status: criteria provided, single submitter. Criteria: Sema4 Curation Guidelines. Collection method: curation. Allele origin: germline.

GeneDx
Classification: Uncertain significance. Last evaluated: 2021-01-26. Review status: criteria provided, single submitter. Criteria: GeneDx Variant Classification Process June 2021. Collection method: clinical testing. Allele origin: germline. Affected: yes.
Comment: In silico analysis, which includes protein predictors and evolutionary conservation, supports that this variant does not alter protein structure/function; Observed in an individual with a head and neck squamous cell carcinoma in the literature (Chandrasekharappa et al., 2017); This variant is associated with the following publications: (PMID: 28678401, 24728327, 27626691)

Baylor Genetics
Classification: Uncertain significance for Fanconi anemia complementation group D2. Last evaluated: 2019-10-22. Review status: criteria provided, single submitter. Criteria: ACMG Guidelines, 2015. Collection method: clinical testing. Allele origin: unknown. Affected: yes. Study: CSER-TexasKidsCanSeq.
Comment: This variant was determined to be of uncertain significance according to ACMG Guidelines, 2015 [PMID:25741868].

Fulgent Genetics
Classification: Uncertain significance for Fanconi anemia complementation group D2. Last evaluated: 2018-10-31. Review status: criteria provided, single submitter. Criteria: ACMG Guidelines, 2015. Collection method: clinical testing. Allele origin: unknown.

Genetic Services Laboratory, University of Chicago
Classification: Uncertain significance. Last evaluated: 2018-03-29. Review status: criteria provided, single submitter. Criteria: ACMG Guidelines, 2015. Collection method: clinical testing. Allele origin: germline. Affected: no.

Illumina Laboratory Services, Illumina
Classification: Uncertain significance for Fanconi anemia complementation group D2. Last evaluated: 2018-01-13. Review status: criteria provided, single submitter. Criteria: ICSL Variant Classification Criteria 13 December 2019. Collection method: clinical testing. Allele origin: germline.

Center of Medical Genetics and Primary Health Care
Classification: Uncertain significance for Breast Cancer. Last evaluated: 2020-04-08. Review status: no assertion criteria provided. Collection method: research. Allele origin: germline. Affected: yes. Observed: 1 heterozygote. Not counted in ClinVar's aggregate classification.
Comment: ACMG Guidelines 2015 criteria BS1 Benign Strong: GnomAD exomes allele frequency = 0.000883 > 0.000584 derived from the 206 clinically reported variants in gene FANCD2 of which 16 PATH, 103 VUS and 87 BEN. BP1 Benign Supporting: 32 out of 35 non-VUS missense variants in gene FANCD2 are BEN = 91.4% > threshold of 51.0%, and 87 out of 206 clinically reported variants in gene FANCD2 are BEN = 42.2% > threshold of 24.0%. BP4 Benign Supporting: 13 benign predictions from DANN, DEOGEN2, EIGEN, FATHMM-MKL, M-CAP, MVP, MutationAssessor, MutationTaster, PrimateAI, REVEL, SIFT, PolyPhen-2 and Align-GVGD vs no pathogenic predictions and the position is not conserved. In summary, the available evidence is currently insufficient to determine the role of this variant in disease. Therefore, it has been classified as a Variant of Uncertain Significance.

ITMI
No classification provided. Condition: AllHighlyPenetrant. Last evaluated: 2013-09-19. Review status: no classification provided. Collection method: reference population. Allele origin: germline. Not counted in ClinVar's aggregate classification.
Comment: Please see associated publication for description of ethnicities

Clinical Genetics DNA and cytogenetics Diagnostics Lab, Erasmus MC, Erasmus Medical Center
Classification: Likely benign. Review status: no assertion criteria provided. Collection method: clinical testing. Allele origin: germline. Affected: yes. Study: VKGL Data-share Consensus. Not counted in ClinVar's aggregate classification.

Laboratory of Diagnostic Genome Analysis, Leiden University Medical Center (LUMC)
Classification: Likely benign. Review status: no assertion criteria provided. Collection method: clinical testing. Allele origin: germline. Affected: yes. Study: VKGL Data-share Consensus. Not counted in ClinVar's aggregate classification.

Literature cited by the submitters: PubMed 33558524 (cited by Labcorp Genetics (formerly Invitae), Labcorp); PubMed 24728327 (cited by ITMI).